The following is an entry in ClinVar:

ClinVar aggregate classification (germline): Uncertain significance (1 of 4 stars; one submission).

Conditions:
Spastic paraplegia. Identifiers: MedGen C0037772, HP:0001258.

Allele frequency attached by ClinVar (database versions not stated): ExAC 0.00012; gnomAD exomes 0.00003; 1000 Genomes Project 30x 0.00016; gnomAD 0.00004; TOPMed 0.00005; 1000 Genomes Project 0.00020.
gnomAD v4.1: 47 of 1,612,728 alleles (0.0029%); highest among the groups gnomAD compares: East Asian, 0.067%; no homozygotes.

Submission:

Labcorp Genetics (formerly Invitae), Labcorp
Classification: Uncertain significance for Spastic paraplegia. Last evaluated: 2022-08-25. Review status: criteria provided, single submitter. Criteria: Invitae Variant Classification Sherloc (09022015). Collection method: clinical testing. Allele origin: germline.
Comment: Variants that disrupt the consensus splice site are a relatively common cause of aberrant splicing (PMID: 17576681, 9536098). Algorithms developed to predict the effect of sequence changes on RNA splicing suggest that this variant is not likely to affect RNA splicing. In summary, the available evidence is currently insufficient to determine the role of this variant in disease. Therefore, it has been classified as a Variant of Uncertain Significance. This variant has not been reported in the literature in individuals affected with AP4E1-related conditions. This variant is present in population databases (rs554360704, gnomAD 0.1%). This sequence change falls in intron 2 of the AP4E1 gene. It does not directly change the encoded amino acid sequence of the AP4E1 protein. It affects a nucleotide within the consensus splice site.

Literature cited by the submitters: PubMed 17576681; PubMed 9536098.

NM_007347.5(AP4E1):c.222+3A>G

Gene: AP4E1 (adaptor related protein complex 4 subunit epsilon 1; plus strand). Cytogenetic location: 15q21.2.
Variant type: single nucleotide variant.
Coding change: c.222+3A>G on transcript NM_007347.5 (MANE Select); 3 bases into the intron after coding-DNA position 222, A replaced by G.
Molecular consequence: intron variant.
Genome position (GRCh38, 1-based): chr15:50,912,152, A>G. VCF-style: chr15-50912152-A-G. GRCh37 (hg19) VCF-style: chr15-51204349-A-G.
Other names: c.-27+3A>G (NM_001252127.2).
Identifiers: ClinVar variation 2043164 (VCV002043164.4), dbSNP rs554360704, ClinGen allele CA7558683.